The following is an entry in ClinVar:

NM_000038.6(APC):c.1057C>A (p.Leu353Ile)

Gene: APC (APC regulator of Wnt signaling pathway; plus strand). Cytogenetic location: 5q22.2.
Variant type: single nucleotide variant.
Coding change: c.1057C>A on transcript NM_000038.6 (MANE Select); coding-DNA position 1057, C replaced by A.
Protein change: p.Leu353Ile; replaces leucine 353 with isoleucine.
Molecular consequence: missense variant. On other transcripts: intron variant (4).
Genome position (GRCh38, 1-based): chr5:112,819,089, C>A. VCF-style: chr5-112819089-C-A. GRCh37 (hg19) VCF-style: chr5-112154786-C-A.
Other names: c.1057C>A, p.Leu353Ile (NM_001127510.3, NM_001354895.2, NM_001354896.2); c.1003C>A, p.Leu335Ile (NM_001127511.3); c.1087C>A, p.Leu363Ile (NM_001354897.2); c.982C>A, p.Leu328Ile (NM_001354898.2); c.973C>A, p.Leu325Ile (NM_001354899.2); c.880C>A, p.Leu294Ile (NM_001354900.2, NM_001354901.2); c.208C>A, p.Leu70Ile (NM_001354906.2); c.964-180C>A (NM_001354902.2); and 3 more; short protein forms L325I, L353I, L363I, L70I, L294I, L328I, L335I.
Identifiers: ClinVar variation 657711 (VCV000657711.16), dbSNP rs1328673602, ClinGen allele CA16023625.

ClinVar aggregate classification (germline): Uncertain significance. Review status: criteria provided, multiple submitters, no conflicts (2 of 4 stars). 2 submissions from 2 submitters: Uncertain significance (2). Last evaluated 2025-11-10.

Conditions:
Hereditary cancer-predisposing syndrome. Also called: Hereditary neoplastic syndrome; Neoplastic Syndromes, Hereditary; Hereditary Cancer Syndrome; Tumor predisposition. Identifiers: Orphanet 140162, MedGen C0027672, MeSH D009386, MONDO:0015356.
Familial adenomatous polyposis 1 (FAP1). Also called: POLYPOSIS, ADENOMATOUS INTESTINAL; FAMILIAL ADENOMATOUS POLYPOSIS 1, ATTENUATED. Identifiers: MedGen C2713442, MONDO:0021056, OMIM 175100. Disease mechanism: loss of function.

Allele frequency attached by ClinVar (database versions not stated): gnomAD exomes 0.00001.
gnomAD v4.1: 3 of 1,614,102 alleles (0.00019%); highest among the groups gnomAD compares: Non-Finnish European, 0.00025%; no homozygotes.

Submissions (2):

Ambry Genetics
Classification: Uncertain significance for Hereditary cancer-predisposing syndrome. Last evaluated: 2025-11-10. Review status: criteria provided, single submitter. Criteria: Ambry Variant Classification Scheme 2023. Collection method: clinical testing. Allele origin: germline.
Comment: The p.L353I variant (also known as c.1057C>A), located in coding exon 9 of the APC gene, results from a C to A substitution at nucleotide position 1057. The leucine at codon 353 is replaced by isoleucine, an amino acid with highly similar properties. This amino acid position is highly conserved in available vertebrate species. In addition, in silico predictors for this gene do not accurately predict pathogenicity. Missense alterations in APC are not a common cause of disease (Spier I et al. Genet Med. 2024 Feb;26(2):100992). Based on the available evidence, the clinical significance of this variant remains unclear.

Labcorp Genetics (formerly Invitae), Labcorp
Classification: Uncertain significance for Familial adenomatous polyposis 1. Last evaluated: 2025-07-02. Review status: criteria provided, single submitter. Criteria: Invitae Variant Classification Sherloc (09022015). Collection method: clinical testing. Allele origin: germline.
Comment: This sequence change replaces leucine, which is neutral and non-polar, with isoleucine, which is neutral and non-polar, at codon 353 of the APC protein (p.Leu353Ile). This variant is present in population databases (no rsID available, gnomAD 0.0009%). This variant has not been reported in the literature in individuals affected with APC-related conditions. ClinVar contains an entry for this variant (Variation ID: 657711). Invitae Evidence Modeling of protein sequence and biophysical properties (such as structural, functional, and spatial information, amino acid conservation, physicochemical variation, residue mobility, and thermodynamic stability) indicates that this missense variant is not expected to disrupt APC protein function with a negative predictive value of 95%. In summary, the available evidence is currently insufficient to determine the role of this variant in disease. Therefore, it has been classified as a Variant of Uncertain Significance.